The following is an entry in ClinVar:

ClinVar aggregate classification (germline): Uncertain significance (1 of 4 stars; one submission).

Submission:

Labcorp Genetics (formerly Invitae), Labcorp
Classification: Uncertain significance. Last evaluated: 2022-02-12. Review status: criteria provided, single submitter. Criteria: Invitae Variant Classification Sherloc (09022015). Collection method: clinical testing. Allele origin: germline.
Comment: This variant has not been reported in the literature in individuals affected with LRRK1-related conditions. This variant is not present in population databases (gnomAD no frequency). This sequence change replaces isoleucine, which is neutral and non-polar, with threonine, which is neutral and polar, at codon 1203 of the LRRK1 protein (p.Ile1203Thr). In summary, the available evidence is currently insufficient to determine the role of this variant in disease. Therefore, it has been classified as a Variant of Uncertain Significance. Algorithms developed to predict the effect of missense changes on protein structure and function are either unavailable or do not agree on the potential impact of this missense change (SIFT: "Deleterious"; PolyPhen-2: "Probably Damaging"; Align-GVGD: "Class C0").

NM_024652.6(LRRK1):c.3608T>C (p.Ile1203Thr)

Genes: LRRK1 (leucine rich repeat kinase 1; plus strand), LRRK1-AS1 (LRRK1 antisense RNA 1; minus strand). Cytogenetic location: 15q26.3.
Variant type: single nucleotide variant.
Coding change: c.3608T>C on transcript NM_024652.6 (MANE Select); coding-DNA position 3608, T replaced by C.
Protein change: p.Ile1203Thr; replaces isoleucine 1203 with threonine.
Molecular consequence: missense variant.
Genome position (GRCh38, 1-based): chr15:101,051,879, T>C. VCF-style: chr15-101051879-T-C. GRCh37 (hg19) VCF-style: chr15-101592084-T-C.
Other names: short protein forms I1203T.
Identifiers: ClinVar variation 2092731 (VCV002092731.4), dbSNP rs2505450246, ClinGen allele CA393952875.